The following is an entry in ClinVar:

ClinVar aggregate classification (germline): Likely pathogenic (1 of 4 stars; one submission).

Submission:

Mayo Clinic Laboratories, Mayo Clinic
Classification: Likely pathogenic. Last evaluated: 2024-05-07. Review status: criteria provided, single submitter. Criteria: ACMG Guidelines, 2015. Collection method: clinical testing. Allele origin: germline. Observed: 1 variant allele.
Comment: PM2_moderate, PVS1_strong

NM_000460.4(THPO):c.530dup (p.Pro178fs)

Gene: THPO (thrombopoietin; minus strand). Cytogenetic location: 3q27.1.
Variant type: Duplication.
Coding change: c.530dup on transcript NM_000460.4 (MANE Select); coding-DNA position 530, one base duplicated (C; older notation c.530dupC).
Protein change: p.Pro178fs; shifts the reading frame from proline 178.
Molecular consequence: frameshift variant. On other transcripts: intron variant (2).
Genome position (GRCh38, 1-based): chr3:184,373,045, G duplicated on the plus strand (C on the coding strand, the reverse complement: THPO is on the minus strand); the first of 4 consecutive G bases (chr3:184,373,045-184,373,048); duplicating any one gives the same sequence. VCF-style (leftmost placement, unchanged base first): chr3-184373044-T-TG. GRCh37 (hg19) VCF-style: chr3-184090832-T-TG.
Other names: p.Pro178Thrfs*149; c.518dup, p.Pro174fs (NM_001177597.2, NM_001290022.1); c.513dup, p.Thr172fs (NM_001177598.2, NM_001290026.1); c.530dup, p.Pro178fs (NM_001289998.1, NM_001290028.1); c.950dup, p.Pro318fs (NM_001290003.1); c.477+53dup (NM_001290027.1, NM_001289997.1); short protein forms P174fs, P178fs, P318fs, T172fs.
Identifiers: ClinVar variation 3380981 (VCV003380981.1).